The following is an entry in ClinVar:

ClinVar aggregate classification (germline): Uncertain significance. Review status: criteria provided, multiple submitters, no conflicts (2 of 4 stars). 2 submissions from 2 submitters: Uncertain significance (2). Last evaluated 2025-08-30.

Conditions:
Hereditary cancer-predisposing syndrome. Also called: Hereditary Cancer Syndrome; Neoplastic Syndromes, Hereditary; Tumor predisposition; Hereditary neoplastic syndrome. Identifiers: Orphanet 140162, MedGen C0027672, MeSH D009386, MONDO:0015356.
Gorlin syndrome. Also called: Basal cell nevus syndrome; Nevoid Basal Cell Carcinoma Syndrome. Identifiers: Orphanet 377, MedGen C0004779, MONDO:0007187.

Submissions (2):

Ambry Genetics
Classification: Uncertain significance for Hereditary cancer-predisposing syndrome. Last evaluated: 2025-08-30. Review status: criteria provided, single submitter. Criteria: Ambry Variant Classification Scheme 2023. Collection method: clinical testing. Allele origin: germline.
Comment: The p.P1389L variant (also known as c.4166C>T), located in coding exon 23 of the PTCH1 gene, results from a C to T substitution at nucleotide position 4166. The proline at codon 1389 is replaced by leucine, an amino acid with similar properties. This amino acid position is not well conserved in available vertebrate species. In addition, the in silico prediction for this alteration is inconclusive. Since supporting evidence is limited at this time, the clinical significance of this alteration remains unclear.

Labcorp Genetics (formerly Invitae), Labcorp
Classification: Uncertain significance for Gorlin syndrome. Last evaluated: 2024-04-29. Review status: criteria provided, single submitter. Criteria: Invitae Variant Classification Sherloc (09022015). Collection method: clinical testing. Allele origin: germline.
Comment: This sequence change replaces proline, which is neutral and non-polar, with leucine, which is neutral and non-polar, at codon 1389 of the PTCH1 protein (p.Pro1389Leu). This variant is not present in population databases (gnomAD no frequency). This variant has not been reported in the literature in individuals affected with PTCH1-related conditions. ClinVar contains an entry for this variant (Variation ID: 1346564). Advanced modeling of protein sequence and biophysical properties (such as structural, functional, and spatial information, amino acid conservation, physicochemical variation, residue mobility, and thermodynamic stability) performed at Invitae indicates that this missense variant is not expected to disrupt PTCH1 protein function with a negative predictive value of 95%. In summary, the available evidence is currently insufficient to determine the role of this variant in disease. Therefore, it has been classified as a Variant of Uncertain Significance.

NM_000264.5(PTCH1):c.4166C>T (p.Pro1389Leu)

Gene: PTCH1 (patched 1; minus strand). Cytogenetic location: 9q22.32.
Variant type: single nucleotide variant.
Coding change: c.4166C>T on transcript NM_000264.5 (MANE Select); coding-DNA position 4166, C replaced by T.
Protein change: p.Pro1389Leu; replaces proline 1389 with leucine.
Molecular consequence: missense variant. On other transcripts: non-coding transcript variant (1).
Genome position (GRCh38, 1-based): chr9:95,447,090, G>A on the plus strand (C>T on the coding strand, the complement: PTCH1 is on the minus strand). VCF-style: chr9-95447090-G-A. GRCh37 (hg19) VCF-style: chr9-98209372-G-A.
Other names: c.4010C>T, p.Pro1337Leu (NM_001354918.2); c.3968C>T, p.Pro1323Leu (NM_001083602.3); c.4163C>T, p.Pro1388Leu (NM_001083603.3); c.3713C>T, p.Pro1238Leu (NM_001083604.3, NM_001083605.3, NM_001083606.3 and 1 more transcripts); short protein forms P1238L, P1337L, P1388L, P1323L, P1389L.
Identifiers: ClinVar variation 1346564 (VCV001346564.9), dbSNP rs1837985984, ClinGen allele CA374110194.